The following is an entry in ClinVar:

NM_014889.4(PITRM1):c.2893G>A (p.Ala965Thr)

Gene: PITRM1 (pitrilysin metallopeptidase 1; minus strand). Cytogenetic location: 10p15.2.
Variant type: single nucleotide variant.
Coding change: c.2893G>A on transcript NM_014889.4 (MANE Select); coding-DNA position 2893, G replaced by A.
Protein change: p.Ala965Thr; replaces alanine 965 with threonine.
Molecular consequence: missense variant. On other transcripts: non-coding transcript variant (4).
Genome position (GRCh38, 1-based): chr10:3,138,928, C>T on the plus strand (G>A on the coding strand, the complement: PITRM1 is on the minus strand). VCF-style: chr10-3138928-C-T. GRCh37 (hg19) VCF-style: chr10-3181120-C-T.
Other names: c.2896G>A, p.Ala966Thr (NM_001242307.2); c.2599G>A, p.Ala867Thr (NM_001242309.1); c.2695G>A, p.Ala899Thr (NM_001347725.2); c.2080G>A, p.Ala694Thr (NM_001347726.2); c.2278G>A, p.Ala760Thr (NM_001347727.2); c.1588G>A, p.Ala530Thr (NM_001347728.2); c.2869G>A, p.Ala957Thr (NM_001347729.1); c.2671G>A, p.Ala891Thr (NM_001347730.1); and 1 more; short protein forms A760T, A530T, A957T, A694T, A867T, A899T, A965T, A891T.
Identifiers: ClinVar variation 1487451 (VCV001487451.4), dbSNP rs534536142, ClinGen allele CA5387176.

ClinVar aggregate classification (germline): Uncertain significance. Review status: criteria provided, multiple submitters, no conflicts (2 of 4 stars). 2 submissions from 2 submitters: Uncertain significance (2). Last evaluated 2025-06-07.

Allele frequency attached by ClinVar (database versions not stated): 1000 Genomes Project 0.00040; gnomAD 0.00016 and 0.00010; 1000 Genomes Project 30x 0.00031; TOPMed 0.00007.
gnomAD v4.1: 89 of 1,613,944 alleles (0.0055%); highest among the groups gnomAD compares: African/African-American, 0.072%; 3 homozygotes.

Submissions (2):

Ambry Genetics
Classification: Uncertain significance. Last evaluated: 2025-06-07. Review status: criteria provided, single submitter. Criteria: Ambry Variant Classification Scheme 2023. Collection method: clinical testing. Allele origin: germline.

Labcorp Genetics (formerly Invitae), Labcorp
Classification: Uncertain significance. Last evaluated: 2022-04-07. Review status: criteria provided, single submitter. Criteria: Invitae Variant Classification Sherloc (09022015). Collection method: clinical testing. Allele origin: germline.
Comment: This sequence change replaces alanine, which is neutral and non-polar, with threonine, which is neutral and polar, at codon 867 of the PITRM1 protein (p.Ala867Thr). This variant is present in population databases (rs534536142, gnomAD 0.03%). This variant has not been reported in the literature in individuals affected with PITRM1-related conditions. Algorithms developed to predict the effect of missense changes on protein structure and function (SIFT, PolyPhen-2, Align-GVGD) all suggest that this variant is likely to be tolerated. In summary, the available evidence is currently insufficient to determine the role of this variant in disease. Therefore, it has been classified as a Variant of Uncertain Significance.